The following is an entry in ClinVar:

NM_003356.4(UCP3):c.244G>T (p.Val82Leu)

Gene: UCP3 (uncoupling protein 3; minus strand). Cytogenetic location: 11q13.4.
Variant type: single nucleotide variant.
Coding change: c.244G>T on transcript NM_003356.4 (MANE Select); coding-DNA position 244, G replaced by T.
Protein change: p.Val82Leu; replaces valine 82 with leucine.
Molecular consequence: missense variant.
Genome position (GRCh38, 1-based): chr11:74,006,262, C>A on the plus strand (G>T on the coding strand, the complement: UCP3 is on the minus strand). VCF-style: chr11-74006262-C-A. GRCh37 (hg19) VCF-style: chr11-73717307-C-A.
Other names: c.244G>T, p.Val82Leu (NM_022803.3); short protein forms V82L.
Identifiers: ClinVar variation 4761002 (VCV004761002.1).

ClinVar aggregate classification (germline): Uncertain significance (1 of 4 stars; one submission).

Submission:

Labcorp Genetics (formerly Invitae), Labcorp
Classification: Uncertain significance. Last evaluated: 2025-02-10. Review status: criteria provided, single submitter. Criteria: Invitae Variant Classification Sherloc (09022015). Collection method: clinical testing. Allele origin: germline.
Comment: This sequence change replaces valine, which is neutral and non-polar, with leucine, which is neutral and non-polar, at codon 82 of the UCP3 protein (p.Val82Leu). This variant is not present in population databases (gnomAD no frequency). This variant has not been reported in the literature in individuals affected with UCP3-related conditions. Invitae Evidence Modeling of protein sequence and biophysical properties (such as structural, functional, and spatial information, amino acid conservation, physicochemical variation, residue mobility, and thermodynamic stability) indicates that this missense variant is not expected to disrupt UCP3 protein function with a negative predictive value of 80%. In summary, the available evidence is currently insufficient to determine the role of this variant in disease. Therefore, it has been classified as a Variant of Uncertain Significance.